The following is an entry in ClinVar:

NM_001040108.2(MLH3):c.533T>A (p.Leu178His)

Gene: MLH3 (mutL homolog 3; minus strand). Cytogenetic location: 14q24.3.
Variant type: single nucleotide variant.
Coding change: c.533T>A on transcript NM_001040108.2 (MANE Select); coding-DNA position 533, T replaced by A.
Protein change: p.Leu178His; replaces leucine 178 with histidine.
Molecular consequence: missense variant.
Genome position (GRCh38, 1-based): chr14:75,049,123, A>T on the plus strand (T>A on the coding strand, the complement: MLH3 is on the minus strand). VCF-style: chr14-75049123-A-T. GRCh37 (hg19) VCF-style: chr14-75515826-A-T.
Other names: c.533T>A, p.Leu178His (NM_014381.3); short protein forms L178H.
Identifiers: ClinVar variation 1746929 (VCV001746929.2), dbSNP rs2503324925, ClinGen allele CA390449951.

ClinVar aggregate classification (germline): Uncertain significance (1 of 4 stars; one submission).

Submission:

Ambry Genetics
Classification: Uncertain significance. Last evaluated: 2021-08-23. Review status: criteria provided, single submitter. Criteria: Ambry Variant Classification Scheme 2023. Collection method: clinical testing. Allele origin: germline.
Comment: The p.L178H variant (also known as c.533T>A), located in coding exon 1 of the MLH3 gene, results from a T to A substitution at nucleotide position 533. The leucine at codon 178 is replaced by histidine, an amino acid with similar properties. This amino acid position is conserved. In addition, this alteration is predicted to be deleterious by in silico analysis. Since supporting evidence is limited at this time, the clinical significance of this alteration remains unclear.